The following is an entry in ClinVar:

ClinVar aggregate classification (germline): Uncertain significance (1 of 4 stars; one submission).

Conditions:
Amyotrophic lateral sclerosis type 6. Also called: FUS-Related Amyotrophic Laterial Sclerosis; AMYOTROPHIC LATERAL SCLEROSIS 6 WITHOUT FRONTOTEMPORAL DEMENTIA; Amyotrophic lateral sclerosis 6, with or without frontotemporal dementia. Identifiers: Orphanet 275872, Orphanet 803, MedGen C2931786, MONDO:0011951, OMIM 608030.
Tremor, hereditary essential, 4 (ETM4). Identifiers: MedGen C3539195, MONDO:0013888, OMIM 614782.

Allele frequency attached by ClinVar (database versions not stated): gnomAD exomes below 0.00001; ExAC 0.00002.
gnomAD v4.1: 4 of 1,614,088 alleles (0.00025%); highest among the groups gnomAD compares: South Asian, 0.0033%; no homozygotes.

Submission:

Labcorp Genetics (formerly Invitae), Labcorp
Classification: Uncertain significance for Tremor, hereditary essential, 4; Amyotrophic lateral sclerosis type 6. Last evaluated: 2024-01-08. Review status: criteria provided, single submitter. Criteria: Invitae Variant Classification Sherloc (09022015). Collection method: clinical testing. Allele origin: germline.
Comment: This sequence change replaces proline, which is neutral and non-polar, with serine, which is neutral and polar, at codon 429 of the FUS protein (p.Pro429Ser). This variant is present in population databases (rs776340220, gnomAD 0.01%). This variant has not been reported in the literature in individuals affected with FUS-related conditions. An algorithm developed to predict the effect of missense changes on protein structure and function (PolyPhen-2) suggests that this variant is likely to be disruptive. In summary, the available evidence is currently insufficient to determine the role of this variant in disease. Therefore, it has been classified as a Variant of Uncertain Significance.

NM_004960.4(FUS):c.1285C>T (p.Pro429Ser)

Gene: FUS (FUS RNA binding protein; plus strand). Cytogenetic location: 16p11.2.
Variant type: single nucleotide variant.
Coding change: c.1285C>T on transcript NM_004960.4 (MANE Select); coding-DNA position 1285, C replaced by T.
Protein change: p.Pro429Ser; replaces proline 429 with serine.
Molecular consequence: missense variant. On other transcripts: non-coding transcript variant (1).
Genome position (GRCh38, 1-based): chr16:31,190,391, C>T. VCF-style: chr16-31190391-C-T. GRCh37 (hg19) VCF-style: chr16-31201712-C-T.
Other names: c.1282C>T, p.Pro428Ser (NM_001170634.1); c.1273C>T, p.Pro425Ser (NM_001170937.1); short protein forms P425S, P428S, P429S.
Identifiers: ClinVar variation 2936545 (VCV002936545.3), dbSNP rs776340220, ClinGen allele CA8023986.
Genomic context (GRCh38, chr16:31,190,391, plus strand): 5'-GGATTTCCCAGTGGAGGTGGTGGCGGTGGAGGACAGCAGCGAGCTGGTGACTGGAAGTGT[C>T]CTAATCCGTGAGTGAAACTTAATTTTTTTCTTAGTTCTCTTGCATGCGTGCTCTTTGATA-3'
Protein context (NP_004951.1, residues 419-439): GQQRAGDWKC[Pro429Ser]NPTCENMNFS